The following is an entry in ClinVar:

NM_000337.6(SGCD):c.620G>A (p.Gly207Glu)

Gene: SGCD (sarcoglycan delta; plus strand). Cytogenetic location: 5q33.3.
Variant type: single nucleotide variant.
Coding change: c.620G>A on transcript NM_000337.6 (MANE Select); coding-DNA position 620, G replaced by A.
Protein change: p.Gly207Glu; replaces glycine 207 with glutamic acid.
Molecular consequence: missense variant.
Genome position (GRCh38, 1-based): chr5:156,757,625, G>A. VCF-style: chr5-156757625-G-A. GRCh37 (hg19) VCF-style: chr5-156184636-G-A.
Other names: c.617G>A, p.Gly206Glu (NM_001128209.2); c.620G>A, p.Gly207Glu (NM_172244.3); short protein forms G207E, G206E.
Identifiers: ClinVar variation 2095607 (VCV002095607.4), dbSNP rs1757390208, ClinGen allele CA362008419.

ClinVar aggregate classification (germline): Uncertain significance (1 of 4 stars; one submission).

Conditions:
Autosomal recessive limb-girdle muscular dystrophy type 2F (LGMDR6). Also called: Muscular dystrophy limb-girdle with delta-sarcoglyan deficiency; MUSCULAR DYSTROPHY, LIMB-GIRDLE, AUTOSOMAL RECESSIVE 6. Identifiers: Orphanet 219, MedGen C1832525, MONDO:0011028, OMIM 601287. Disease mechanism: Affects gamma-sarcoglycan and also disrupts the integrity of the entire sarcoglycan complex..

Submission:

Labcorp Genetics (formerly Invitae), Labcorp
Classification: Uncertain significance for Autosomal recessive limb-girdle muscular dystrophy type 2F. Last evaluated: 2022-02-20. Review status: criteria provided, single submitter. Criteria: Invitae Variant Classification Sherloc (09022015). Collection method: clinical testing. Allele origin: germline.
Comment: This variant is not present in population databases (gnomAD no frequency). This sequence change replaces glycine, which is neutral and non-polar, with glutamic acid, which is acidic and polar, at codon 207 of the SGCD protein (p.Gly207Glu). This variant has not been reported in the literature in individuals affected with SGCD-related conditions. Algorithms developed to predict the effect of missense changes on protein structure and function are either unavailable or do not agree on the potential impact of this missense change (SIFT: "Tolerated"; PolyPhen-2: "Possibly Damaging"; Align-GVGD: "Class C0"). In summary, the available evidence is currently insufficient to determine the role of this variant in disease. Therefore, it has been classified as a Variant of Uncertain Significance.